The following is an entry in ClinVar:

NM_133433.4(NIPBL):c.3347_3348insGCTTT (p.Tyr1117fs)

Gene: NIPBL (NIPBL cohesin loading factor; plus strand). Cytogenetic location: 5p13.2.
Variant type: Insertion.
Coding change: c.3347_3348insGCTTT on transcript NM_133433.4 (MANE Select); coding-DNA positions 3347 to 3348, GCTTT inserted.
Protein change: p.Tyr1117fs; shifts the reading frame from tyrosine 1117.
Molecular consequence: frameshift variant.
Genome position: GRCh38 VCF-style: chr5-37000415-A-AGCTTT. GRCh37 (hg19) VCF-style: chr5-37000517-A-AGCTTT.
Other names: c.3347_3348insGCTTT, p.Tyr1117fs (NM_015384.5); short protein forms Y1117fs.
Identifiers: ClinVar variation 3664532 (VCV003664532.2).

ClinVar aggregate classification (germline): Pathogenic (1 of 4 stars; one submission).

Conditions:
Cornelia de Lange syndrome 1 (CDLS1). Also called: Brachmann de Lange syndrome; NIPBL-Related Cornelia de Lange Syndrome; TYPUS DEGENERATIVUS AMSTELODAMENSIS. Identifiers: Orphanet 199, MedGen C4551851, MONDO:0007387, OMIM 122470.

Submission:

Labcorp Genetics (formerly Invitae), Labcorp
Classification: Pathogenic for Cornelia de Lange syndrome 1. Last evaluated: 2024-09-04. Review status: criteria provided, single submitter. Criteria: Invitae Variant Classification Sherloc (09022015). Collection method: clinical testing. Allele origin: germline.
Comment: This sequence change creates a premature translational stop signal (p.Tyr1117Leufs*58) in the NIPBL gene. It is expected to result in an absent or disrupted protein product. Loss-of-function variants in NIPBL are known to be pathogenic (PMID: 15318302, 19763162, 23505322, 29995837). This variant is not present in population databases (gnomAD no frequency). This variant has not been reported in the literature in individuals affected with NIPBL-related conditions. For these reasons, this variant has been classified as Pathogenic.

Literature cited by the submitters: PubMed 15318302; PubMed 19763162; PubMed 23505322; PubMed 29995837.